The following is an entry in ClinVar:

ClinVar aggregate classification (germline): Conflicting classifications of pathogenicity. Review status: criteria provided, conflicting classifications (1 of 4 stars). 5 submissions from 5 submitters: Uncertain significance (1); Likely benign (3). 1 of the submissions does not count toward it. Last evaluated 2026-02-02.

Conditions:
Inborn genetic diseases. Identifiers: MedGen C0950123, MeSH D030342.
DOCK2-related disorder. Also called: DOCK2-related condition.
DOCK2 deficiency. Also called: Immunodeficiency 40. Identifiers: Orphanet 447737, MedGen C4225328, MONDO:0014637, OMIM 616433.

Allele frequency attached by ClinVar (database versions not stated): gnomAD exomes 0.00024 and 0.00053; ExAC 0.00063; ESP Exome Variant Server 0.00192; gnomAD 0.00196 and 0.00210; TOPMed 0.00209; 1000 Genomes Project 0.00220; 1000 Genomes Project 30x 0.00234.
gnomAD v4.1: 657 of 1,613,862 alleles (0.041%); highest among the groups gnomAD compares: African/African-American, 0.72%; 4 homozygotes.

Submissions (5):

Labcorp Genetics (formerly Invitae), Labcorp
Classification: Likely benign for DOCK2 deficiency. Last evaluated: 2026-02-02. Review status: criteria provided, single submitter. Criteria: Invitae Variant Classification Sherloc (09022015). Collection method: clinical testing. Allele origin: germline.

Ambry Genetics
Classification: Likely benign for Inborn genetic diseases. Last evaluated: 2025-06-24. Review status: criteria provided, single submitter. Criteria: Ambry Variant Classification Scheme 2023. Collection method: clinical testing. Allele origin: germline.

Blueprint Genetics
Classification: Likely benign. Last evaluated: 2024-09-02. Review status: criteria provided, single submitter. Criteria: ACMG Guidelines, 2015. Collection method: clinical testing. Allele origin: germline.

Baylor Genetics
Classification: Uncertain significance for DOCK2 deficiency. Last evaluated: 2018-03-08. Review status: criteria provided, single submitter. Criteria: ACMG Guidelines, 2015. Collection method: clinical testing. Allele origin: maternal. Affected: yes.
Comment: This variant was determined to be of uncertain significance according to ACMG Guidelines, 2015 [PMID:25741868].

PreventionGenetics, part of Exact Sciences
Classification: Likely benign for DOCK2-related condition. Last evaluated: 2020-01-10. Review status: no assertion criteria provided. Collection method: clinical testing. Allele origin: germline. Not counted in ClinVar's aggregate classification.
Comment: This variant is classified as likely benign based on ACMG/AMP sequence variant interpretation guidelines (Richards et al. 2015 PMID: 25741868, with internal and published modifications).

NM_004946.3(DOCK2):c.1360G>A (p.Ala454Thr)

Gene: DOCK2 (dedicator of cytokinesis 2; plus strand). Cytogenetic location: 5q35.1.
Variant type: single nucleotide variant.
Coding change: c.1360G>A on transcript NM_004946.3 (MANE Select); coding-DNA position 1360, G replaced by A.
Protein change: p.Ala454Thr; replaces alanine 454 with threonine.
Molecular consequence: missense variant. On other transcripts: non-coding transcript variant (1).
Genome position (GRCh38, 1-based): chr5:169,702,404, G>A. VCF-style: chr5-169702404-G-A. GRCh37 (hg19) VCF-style: chr5-169129408-G-A.
Other names: c.1360G>A, p.Ala454Thr (LRG_1227t1); short protein forms A454T.
Identifiers: ClinVar variation 475999 (VCV000475999.18), dbSNP rs114888195, ClinGen allele CA3553428.